The following is an entry in ClinVar:

ClinVar aggregate classification (germline): Benign/Likely benign. Review status: criteria provided, multiple submitters, no conflicts (2 of 4 stars). 5 submissions from 5 submitters: Benign (2); Likely benign (2). 1 of the submissions does not count toward it. Last evaluated 2025-11-03.

Conditions:
Early-infantile DEE. Also called: Ohtahara syndrome; Early infantile epileptic encephalopathy; Early infantile epileptic encephalopathy with suppression bursts. Identifiers: Orphanet 1934, MedGen C0393706, MONDO:0800491.
SPTAN1-related disorder. Also called: SPTAN1-related disorders; SPTAN1-related condition.
Developmental and epileptic encephalopathy, 5 (DEE5). Identifiers: Orphanet 3451, MedGen C3150731, MONDO:0013277, OMIM 613477.

Allele frequency attached by ClinVar (database versions not stated): gnomAD 0.00001; TOPMed 0.00004; ESP Exome Variant Server 0.00008.
gnomAD v4.1: 46 of 1,614,050 alleles (0.0028%); highest among the groups gnomAD compares: Non-Finnish European, 0.0033%; no homozygotes.

Submissions (5):

Labcorp Genetics (formerly Invitae), Labcorp
Classification: Benign for Early-infantile DEE. Last evaluated: 2025-11-03. Review status: criteria provided, single submitter. Criteria: Invitae Variant Classification Sherloc (09022015). Collection method: clinical testing. Allele origin: germline.

CeGaT Center for Human Genetics Tuebingen
Classification: Likely benign. Last evaluated: 2024-09-01. Review status: criteria provided, single submitter. Criteria: CeGaT Center For Human Genetics Tuebingen Variant Classification Criteria Version 2. Collection method: clinical testing. Allele origin: germline. Affected: yes. Observed: 1 variant allele.
Comment: SPTAN1: BP4, BS2

Genome-Nilou Lab
Classification: Benign for Developmental and epileptic encephalopathy, 5. Last evaluated: 2021-07-15. Review status: criteria provided, single submitter. Criteria: ACMG Guidelines, 2015. Collection method: clinical testing. Allele origin: germline. Affected: no.

GeneDx
Classification: Likely benign. Last evaluated: 2016-10-27. Review status: criteria provided, single submitter. Criteria: GeneDx Variant Classification (06012015). Collection method: clinical testing. Allele origin: germline. Affected: yes.
Comment: This variant is considered likely benign or benign based on one or more of the following criteria: it is a conservative change, it occurs at a poorly conserved position in the protein, it is predicted to be benign by multiple in silico algorithms, and/or has population frequency not consistent with disease.

PreventionGenetics, part of Exact Sciences
Classification: Likely benign for SPTAN1-related condition. Last evaluated: 2024-05-08. Review status: no assertion criteria provided. Collection method: clinical testing. Allele origin: germline. Not counted in ClinVar's aggregate classification.
Comment: This variant is classified as likely benign based on ACMG/AMP sequence variant interpretation guidelines (Richards et al. 2015 PMID: 25741868, with internal and published modifications).

NM_001130438.3(SPTAN1):c.3337G>A (p.Ala1113Thr)

Gene: SPTAN1 (spectrin alpha, non-erythrocytic 1; plus strand). Cytogenetic location: 9q34.11.
Variant type: single nucleotide variant.
Coding change: c.3337G>A on transcript NM_001130438.3 (MANE Select); coding-DNA position 3337, G replaced by A.
Protein change: p.Ala1113Thr; replaces alanine 1113 with threonine.
Molecular consequence: missense variant.
Genome position (GRCh38, 1-based): chr9:128,594,296, G>A. VCF-style: chr9-128594296-G-A. GRCh37 (hg19) VCF-style: chr9-131356575-G-A.
Other names: p.A1113T:GCT>ACT; c.3277G>A, p.Ala1093Thr (NM_001195532.2, NM_001363765.2); c.3337G>A, p.Ala1113Thr (NM_001363759.2, NM_003127.4); short protein forms A1113T, A1093T.
Identifiers: ClinVar variation 207279 (VCV000207279.29), dbSNP rs143309753, ClinGen allele CA318595.